The following is an entry in ClinVar:

NM_001365480.1(CCDC88A):c.194A>G (p.Asn65Ser)

Gene: CCDC88A (coiled-coil domain containing 88A; minus strand). Cytogenetic location: 2p16.1.
Variant type: single nucleotide variant.
Coding change: c.194A>G on transcript NM_001365480.1 (MANE Select); coding-DNA position 194, A replaced by G.
Protein change: p.Asn65Ser; replaces asparagine 65 with serine.
Molecular consequence: missense variant.
Genome position (GRCh38, 1-based): chr2:55,388,857, T>C on the plus strand (A>G on the coding strand, the complement: CCDC88A is on the minus strand). VCF-style: chr2-55388857-T-C. GRCh37 (hg19) VCF-style: chr2-55615993-T-C.
Other names: c.194A>G, p.Asn65Ser (NM_001135597.2, NM_001254943.2, NM_018084.5); short protein forms N65S.
Identifiers: ClinVar variation 2415788 (VCV002415788.3), dbSNP rs780394462, ClinGen allele CA1666471.

ClinVar aggregate classification (germline): Uncertain significance (1 of 4 stars; one submission).

Allele frequency attached by ClinVar (database versions not stated): TOPMed below 0.00001; gnomAD 0.00001; gnomAD exomes 0.00001; ExAC 0.00007.

Submission:

Labcorp Genetics (formerly Invitae), Labcorp
Classification: Uncertain significance. Last evaluated: 2022-07-11. Review status: criteria provided, single submitter. Criteria: Invitae Variant Classification Sherloc (09022015). Collection method: clinical testing. Allele origin: germline.
Comment: This sequence change replaces asparagine, which is neutral and polar, with serine, which is neutral and polar, at codon 65 of the CCDC88A protein (p.Asn65Ser). The frequency data for this variant in the population databases is considered unreliable, as metrics indicate poor data quality at this position in the gnomAD database. This variant has not been reported in the literature in individuals affected with CCDC88A-related conditions. Algorithms developed to predict the effect of missense changes on protein structure and function (SIFT, PolyPhen-2, Align-GVGD) all suggest that this variant is likely to be tolerated. Algorithms developed to predict the effect of sequence changes on RNA splicing suggest that this variant may create or strengthen a splice site. In summary, the available evidence is currently insufficient to determine the role of this variant in disease. Therefore, it has been classified as a Variant of Uncertain Significance.